The following is an entry in ClinVar:

ClinVar aggregate classification (germline): Likely benign. Review status: criteria provided, single submitter (1 of 4 stars). 2 submissions from 2 submitters: Likely benign (1). 1 of the submissions does not count toward it. Last evaluated 2025-08-31.

Conditions:
PRDM13-related disorder. Also called: PRDM13-related condition.

Allele frequency attached by ClinVar (database versions not stated): TOPMed 0.00003; ExAC 0.00004; 1000 Genomes Project 0.00020; gnomAD exomes 0.00004 and 0.00003; gnomAD 0.00006 and 0.00007; ESP Exome Variant Server 0.00008; 1000 Genomes Project 30x 0.00016.
gnomAD v4.1: 31 of 1,606,022 alleles (0.0019%); highest among the groups gnomAD compares: East Asian, 0.056%; no homozygotes.

Submissions (2):

Labcorp Genetics (formerly Invitae), Labcorp
Classification: Likely benign. Last evaluated: 2025-08-31. Review status: criteria provided, single submitter. Criteria: Invitae Variant Classification Sherloc (09022015). Collection method: clinical testing. Allele origin: germline.

PreventionGenetics, part of Exact Sciences
Classification: Likely benign for PRDM13-related condition. Last evaluated: 2019-12-16. Review status: no assertion criteria provided. Collection method: clinical testing. Allele origin: germline. Not counted in ClinVar's aggregate classification.
Comment: This variant is classified as likely benign based on ACMG/AMP sequence variant interpretation guidelines (Richards et al. 2015 PMID: 25741868, with internal and published modifications).

NM_021620.4(PRDM13):c.147G>A (p.Val49=)

Gene: PRDM13 (PR/SET domain 13; plus strand). Cytogenetic location: 6q16.2.
Variant type: single nucleotide variant.
Coding change: c.147G>A on transcript NM_021620.4 (MANE Select); coding-DNA position 147, G replaced by A.
Protein change: p.Val49=; no amino-acid change (valine 49 retained).
Molecular consequence: synonymous variant.
Genome position (GRCh38, 1-based): chr6:99,608,743, G>A. VCF-style: chr6-99608743-G-A. GRCh37 (hg19) VCF-style: chr6-100056619-G-A.
Other names: c.147G>A (NM_021620.3).
Identifiers: ClinVar variation 1575042 (VCV001575042.10), dbSNP rs75995911, ClinGen allele CA3936124.